The following is an entry in ClinVar:

ClinVar aggregate classification (germline): Uncertain significance. Review status: criteria provided, multiple submitters, no conflicts (2 of 4 stars). 2 submissions from 2 submitters: Uncertain significance (2). Last evaluated 2024-02-05.

Allele frequency attached by ClinVar (database versions not stated): TOPMed 0.00001; gnomAD 0.00002; gnomAD exomes 0.00004; ExAC 0.00009.
gnomAD v4.1: 72 of 1,573,250 alleles (0.0046%); highest among the groups gnomAD compares: Middle Eastern, 0.034%; no homozygotes.

Submissions (2):

Blueprint Genetics
Classification: Uncertain significance. Last evaluated: 2024-02-05. Review status: criteria provided, single submitter. Criteria: ACMG Guidelines, 2015. Collection method: clinical testing. Allele origin: germline.

Labcorp Genetics (formerly Invitae), Labcorp
Classification: Uncertain significance. Last evaluated: 2023-07-29. Review status: criteria provided, single submitter. Criteria: Invitae Variant Classification Sherloc (09022015). Collection method: clinical testing. Allele origin: germline.
Comment: This sequence change replaces glutamic acid, which is acidic and polar, with glycine, which is neutral and non-polar, at codon 191 of the CFD protein (p.Glu191Gly). In summary, the available evidence is currently insufficient to determine the role of this variant in disease. Therefore, it has been classified as a Variant of Uncertain Significance. An algorithm developed to predict the effect of missense changes on protein structure and function (PolyPhen-2) suggests that this variant¬¨‚Ä†is likely to be tolerated. This variant has not been reported in the literature in individuals affected with CFD-related conditions. This variant is present in population databases (rs745950679, gnomAD 0.007%).

NM_001928.4(CFD):c.572A>G (p.Glu191Gly)

Gene: CFD (complement factor D; plus strand). Cytogenetic location: 19p13.3.
Variant type: single nucleotide variant.
Coding change: c.572A>G on transcript NM_001928.4 (MANE Select); coding-DNA position 572, A replaced by G.
Protein change: p.Glu191Gly; replaces glutamic acid 191 with glycine.
Molecular consequence: missense variant.
Genome position (GRCh38, 1-based): chr19:861,913, A>G. VCF-style: chr19-861913-A-G. GRCh37 (hg19) VCF-style: chr19-861913-A-G.
Other names: c.593A>G, p.Glu198Gly (NM_001317335.2); short protein forms E198G, E191G.
Identifiers: ClinVar variation 3010968 (VCV003010968.3), dbSNP rs745950679, ClinGen allele CA9026403.